The following is an entry in ClinVar:

NM_005619.5(RTN2):c.271_289del (p.Arg91fs)

Genes: OPA3-RTN2 (OPA3-RTN2 readthrough; minus strand), RTN2 (reticulon 2; minus strand). Cytogenetic location: 19q13.32.
Variant type: Deletion.
Coding change: c.271_289del on transcript NM_005619.5 (MANE Select); coding-DNA positions 271 to 289, 19 bases deleted (CGCTCAGTCTCGGAACCAC).
Protein change: p.Arg91fs; shifts the reading frame from arginine 91.
Molecular consequence: frameshift variant.
Genome position (GRCh38, 1-based): chr19:45,494,796-45,494,814, GTGGTTCCGAGACTGAGCG deleted on the plus strand (CGCTCAGTCTCGGAACCAC on the coding strand, the reverse complement: RTN2 is on the minus strand); deleting any 19 consecutive bases within chr19:45,494,796-45,494,815 gives the same sequence; the c. name uses the placement nearest the transcript's 3' end. VCF-style (leftmost placement, unchanged base first): chr19-45494795-CGTGGTTCCGAGACTGAGCG-C. GRCh37 (hg19) VCF-style: chr19-45998053-CGTGGTTCCGAGACTGAGCG-C.
Other names: c.271_289del, p.Arg91fs (NM_206900.3); short protein forms R91fs.
Identifiers: ClinVar variation 4687046 (VCV004687046.1).

ClinVar aggregate classification (germline): Uncertain significance (1 of 4 stars; one submission).

Submission:

GeneDx
Classification: Uncertain significance. Last evaluated: 2025-07-23. Review status: criteria provided, single submitter. Criteria: GeneDx Variant Classification Process June 2021. Collection method: clinical testing. Allele origin: germline. Affected: yes.
Comment: Not observed at significant frequency in large population cohorts (gnomAD); Frameshift variant predicted to result in protein truncation or nonsense mediated decay in a gene or region of a gene for which loss of function is not a well-established mechanism of disease; Has not been previously published as pathogenic or benign to our knowledge